The following is an entry in ClinVar:

NM_014874.4(MFN2):c.1617A>G (p.Glu539=)

Gene: MFN2 (mitofusin 2; plus strand). Cytogenetic location: 1p36.22.
Variant type: single nucleotide variant.
Coding change: c.1617A>G on transcript NM_014874.4 (MANE Select); coding-DNA position 1617, A replaced by G.
Protein change: p.Glu539=; no amino-acid change (glutamic acid 539 retained).
Molecular consequence: synonymous variant.
Genome position (GRCh38, 1-based): chr1:12,005,832, A>G. VCF-style: chr1-12005832-A-G. GRCh37 (hg19) VCF-style: chr1-12065889-A-G.
Other names: c.1617A>G, p.Glu539= (NM_001127660.2).
Identifiers: ClinVar variation 515098 (VCV000515098.14), dbSNP rs556515947, ClinGen allele CA599163.

ClinVar aggregate classification (germline): Likely benign. Review status: criteria provided, multiple submitters, no conflicts (2 of 4 stars). 4 submissions from 4 submitters: Likely benign (4). Last evaluated 2025-04-29.

Conditions:
MFN2-related disorder. Also called: MFN2-related condition; MFN2-related disorders.
Inborn genetic diseases. Identifiers: MedGen C0950123, MeSH D030342.
Charcot-Marie-Tooth disease type 2. Also called: Charcot-Marie-Tooth type 2. Identifiers: Orphanet 64746, MedGen C0270914, MONDO:0018993.

Allele frequency attached by ClinVar (database versions not stated): ExAC 0.00001; gnomAD exomes 0.00001; gnomAD 0.00007; TOPMed 0.00010; 1000 Genomes Project 30x 0.00016; 1000 Genomes Project 0.00020.
gnomAD v4.1: 20 of 1,614,212 alleles (0.0012%); highest among the groups gnomAD compares: Admixed American, 0.023%; no homozygotes.

Submissions (4):

Labcorp Genetics (formerly Invitae), Labcorp
Classification: Likely benign for Charcot-Marie-Tooth disease type 2. Last evaluated: 2025-04-29. Review status: criteria provided, single submitter. Criteria: Invitae Variant Classification Sherloc (09022015). Collection method: clinical testing. Allele origin: germline.

PreventionGenetics, part of Exact Sciences
Classification: Likely benign for MFN2-related condition. Last evaluated: 2025-03-13. Review status: criteria provided, single submitter. Criteria: ACMG Guidelines, 2015. Collection method: clinical testing. Allele origin: germline.
Comment: This variant is classified as likely benign based on ACMG/AMP sequence variant interpretation guidelines (Richards et al. 2015 PMID: 25741868, with internal and published modifications).

Ambry Genetics
Classification: Likely benign for Inborn genetic diseases. Last evaluated: 2019-07-11. Review status: criteria provided, single submitter. Criteria: Ambry Variant Classification Scheme 2023. Collection method: clinical testing. Allele origin: germline.

GeneDx
Classification: Likely benign. Last evaluated: 2018-02-09. Review status: criteria provided, single submitter. Criteria: GeneDx Variant Classification (06012015). Collection method: clinical testing. Allele origin: germline. Affected: yes.
Comment: This variant is considered likely benign or benign based on one or more of the following criteria: it is a conservative change, it occurs at a poorly conserved position in the protein, it is predicted to be benign by multiple in silico algorithms, and/or has population frequency not consistent with disease.